The following is an entry in ClinVar:

NM_024757.5(EHMT1):c.3016G>T (p.Val1006Leu)

Gene: EHMT1 (euchromatic histone lysine methyltransferase 1; plus strand). Cytogenetic location: 9q34.3.
Variant type: single nucleotide variant.
Coding change: c.3016G>T on transcript NM_024757.5 (MANE Select); coding-DNA position 3016, G replaced by T.
Protein change: p.Val1006Leu; replaces valine 1006 with leucine.
Molecular consequence: missense variant.
Genome position (GRCh38, 1-based): chr9:137,813,154, G>T. VCF-style: chr9-137813154-G-T. GRCh37 (hg19) VCF-style: chr9-140707606-G-T.
Other names: c.2995G>T, p.Val999Leu (NM_001354263.2); short protein forms V1006L, V999L.
Identifiers: ClinVar variation 2791260 (VCV002791260.3), dbSNP rs33999936, ClinGen allele CA375793705.

ClinVar aggregate classification (germline): Uncertain significance (1 of 4 stars; one submission).

Conditions:
Kleefstra syndrome 1 (KLEFS1). Identifiers: Orphanet 261494, MedGen C0795833, MONDO:0027407, OMIM 610253.

gnomAD v4.1: 1 of 1,610,686 alleles (0.000062%); highest among the groups gnomAD compares: East Asian, 0.0022%; no homozygotes.

Submission:

Labcorp Genetics (formerly Invitae), Labcorp
Classification: Uncertain significance for Kleefstra syndrome 1. Last evaluated: 2023-11-11. Review status: criteria provided, single submitter. Criteria: Invitae Variant Classification Sherloc (09022015). Collection method: clinical testing. Allele origin: germline.
Comment: This sequence change replaces valine, which is neutral and non-polar, with leucine, which is neutral and non-polar, at codon 1006 of the EHMT1 protein (p.Val1006Leu). This variant is not present in population databases (gnomAD no frequency). This variant has not been reported in the literature in individuals affected with EHMT1-related conditions. Advanced modeling of protein sequence and biophysical properties (such as structural, functional, and spatial information, amino acid conservation, physicochemical variation, residue mobility, and thermodynamic stability) performed at Invitae indicates that this missense variant is not expected to disrupt EHMT1 protein function with a negative predictive value of 80%. In summary, the available evidence is currently insufficient to determine the role of this variant in disease. Therefore, it has been classified as a Variant of Uncertain Significance.